The following is an entry in ClinVar:

NM_000038.6(APC):c.2872A>G (p.Arg958Gly)

Gene: APC (APC regulator of Wnt signaling pathway; plus strand). Cytogenetic location: 5q22.2.
Variant type: single nucleotide variant.
Coding change: c.2872A>G on transcript NM_000038.6 (MANE Select); coding-DNA position 2872, A replaced by G.
Protein change: p.Arg958Gly; replaces arginine 958 with glycine.
Molecular consequence: missense variant.
Genome position (GRCh38, 1-based): chr5:112,838,466, A>G. VCF-style: chr5-112838466-A-G. GRCh37 (hg19) VCF-style: chr5-112174163-A-G.
Other names: c.2872A>G, p.Arg958Gly (NM_001127510.3, NM_001354895.2); c.2818A>G, p.Arg940Gly (NM_001127511.3); c.2926A>G, p.Arg976Gly (NM_001354896.2); c.2902A>G, p.Arg968Gly (NM_001354897.2); c.2797A>G, p.Arg933Gly (NM_001354898.2); c.2788A>G, p.Arg930Gly (NM_001354899.2); c.2749A>G, p.Arg917Gly (NM_001354900.2); c.2695A>G, p.Arg899Gly (NM_001354901.2); and 6 more; short protein forms R832G, R857G, R930G, R933G, R675G, R867G, R940G, R798G.
Identifiers: ClinVar variation 1371108 (VCV001371108.9), dbSNP rs2149879200, ClinGen allele CA16027596.

ClinVar aggregate classification (germline): Uncertain significance. Review status: criteria provided, multiple submitters, no conflicts (2 of 4 stars). 2 submissions from 2 submitters: Uncertain significance (2). Last evaluated 2025-06-22.

Conditions:
Hereditary cancer-predisposing syndrome. Also called: Neoplastic Syndromes, Hereditary; Tumor predisposition; Hereditary neoplastic syndrome; Hereditary Cancer Syndrome. Identifiers: Orphanet 140162, MedGen C0027672, MeSH D009386, MONDO:0015356.
Familial adenomatous polyposis 1 (FAP1). Also called: FAMILIAL ADENOMATOUS POLYPOSIS 1, ATTENUATED; POLYPOSIS, ADENOMATOUS INTESTINAL. Identifiers: MedGen C2713442, MONDO:0021056, OMIM 175100. Disease mechanism: loss of function.

Submissions (2):

Ambry Genetics
Classification: Uncertain significance for Hereditary cancer-predisposing syndrome. Last evaluated: 2025-06-22. Review status: criteria provided, single submitter. Criteria: Ambry Variant Classification Scheme 2023. Collection method: clinical testing. Allele origin: germline.
Comment: The p.R958G variant (also known as c.2872A>G), located in coding exon 15 of the APC gene, results from an A to G substitution at nucleotide position 2872. The arginine at codon 958 is replaced by glycine, an amino acid with dissimilar properties. This amino acid position is conserved. In addition, in silico predictors for this gene do not accurately predict pathogenicity. Based on the available evidence, the clinical significance of this variant remains unclear.

Labcorp Genetics (formerly Invitae), Labcorp
Classification: Uncertain significance for Familial adenomatous polyposis 1. Last evaluated: 2024-08-08. Review status: criteria provided, single submitter. Criteria: Invitae Variant Classification Sherloc (09022015). Collection method: clinical testing. Allele origin: germline.
Comment: This sequence change replaces arginine, which is basic and polar, with glycine, which is neutral and non-polar, at codon 958 of the APC protein (p.Arg958Gly). This variant is not present in population databases (gnomAD no frequency). This variant has not been reported in the literature in individuals affected with APC-related conditions. ClinVar contains an entry for this variant (Variation ID: 1371108). Advanced modeling of protein sequence and biophysical properties (such as structural, functional, and spatial information, amino acid conservation, physicochemical variation, residue mobility, and thermodynamic stability) performed at Invitae indicates that this missense variant is not expected to disrupt APC protein function with a negative predictive value of 95%. In summary, the available evidence is currently insufficient to determine the role of this variant in disease. Therefore, it has been classified as a Variant of Uncertain Significance.